The following is an entry in ClinVar:

NM_001365999.1(SZT2):c.5088+2T>C

Gene: SZT2 (SZT2 subunit of KICSTOR complex; plus strand). Cytogenetic location: 1p34.2.
Variant type: single nucleotide variant.
Coding change: c.5088+2T>C on transcript NM_001365999.1 (MANE Select); the canonical splice donor site of the intron after coding-DNA position 5088, T replaced by C.
Molecular consequence: splice donor variant.
Genome position (GRCh38, 1-based): chr1:43,431,525, T>C. VCF-style: chr1-43431525-T-C. GRCh37 (hg19) VCF-style: chr1-43897196-T-C.
Other names: c.4917+2T>C (NM_015284.4).
Identifiers: ClinVar variation 960167 (VCV000960167.8), dbSNP rs552956642, ClinGen allele CA809467.

ClinVar aggregate classification (germline): Likely pathogenic. Review status: criteria provided, multiple submitters, no conflicts (2 of 4 stars). 3 submissions from 3 submitters: Likely pathogenic (3). Last evaluated 2023-04-11.

Conditions:
Developmental and epileptic encephalopathy, 18 (DEE18). Also called: Early infantile epileptic encephalopathy 18. Identifiers: Orphanet 369894, MedGen C3809624, MONDO:0014201, OMIM 615476.

Allele frequency attached by ClinVar (database versions not stated): gnomAD below 0.00001 and 0.00001; gnomAD exomes 0.00001 and 0.00003; ExAC 0.00003; 1000 Genomes Project 30x 0.00016; 1000 Genomes Project 0.00020.
gnomAD v4.1: 16 of 1,614,040 alleles (0.00099%); highest among the groups gnomAD compares: South Asian, 0.016%; no homozygotes.

Submissions (3):

Genome-Nilou Lab
Classification: Likely pathogenic for Developmental and epileptic encephalopathy, 18. Last evaluated: 2023-04-11. Review status: criteria provided, single submitter. Criteria: ACMG Guidelines, 2015. Collection method: clinical testing. Allele origin: germline. Affected: no.

Labcorp Genetics (formerly Invitae), Labcorp
Classification: Likely pathogenic. Last evaluated: 2022-08-16. Review status: criteria provided, single submitter. Criteria: Invitae Variant Classification Sherloc (09022015). Collection method: clinical testing. Allele origin: germline.
Comment: In summary, the currently available evidence indicates that the variant is pathogenic, but additional data are needed to prove that conclusively. Therefore, this variant has been classified as Likely Pathogenic. Algorithms developed to predict the effect of sequence changes on RNA splicing suggest that this variant may disrupt the consensus splice site. ClinVar contains an entry for this variant (Variation ID: 960167). This variant has not been reported in the literature in individuals affected with SZT2-related conditions. This variant is present in population databases (rs552956642, gnomAD 0.02%). This sequence change affects a donor splice site in intron 34 of the SZT2 gene. It is expected to disrupt RNA splicing. Variants that disrupt the donor or acceptor splice site typically lead to a loss of protein function (PMID: 16199547), and loss-of-function variants in SZT2 are known to be pathogenic (PMID: 23932106, 27248490, 28556953).

Neuberg Centre For Genomic Medicine, NCGM
Classification: Likely pathogenic for Developmental and epileptic encephalopathy, 18. Review status: criteria provided, single submitter. Criteria: ACMG Guidelines, 2015. Collection method: clinical testing. Allele origin: germline. Affected: yes.
Comment: The splice donor variant c.4917+2T>C in SZT2 (NM_015284.4) has been submitted to ClinVar as Likely Pathogenic. The variant has not been reported in literature in affected individuals. The c.4917+2T>C variant is observed in 7/30,616 (0.0229%) alleles from individuals of South Asian background in gnomAD Exomes and in 1/978 (0.1022%) alleles from individuals of South Asian background in 1000 Genomes. This variant affects an invariant splice nucleotide and hence is expected to lead to loss of function. Biallelic loss of function variant have been reported before in SZT2 related epileptic encephalopathy. For these reasons, this variant has been classified as Likely Pathogenic.

Literature cited by the submitters: PubMed 16199547 (cited by Labcorp Genetics (formerly Invitae), Labcorp); PubMed 23932106 (cited by Labcorp Genetics (formerly Invitae), Labcorp); PubMed 27248490 (cited by Labcorp Genetics (formerly Invitae), Labcorp); PubMed 28556953 (cited by Labcorp Genetics (formerly Invitae), Labcorp).